The following is an entry in ClinVar:

ClinVar aggregate classification (germline): Uncertain significance. Review status: criteria provided, single submitter (1 of 4 stars). 2 submissions from 2 submitters: Uncertain significance (1). 1 of the submissions does not count toward it. Last evaluated 2022-08-09.

Conditions:
Aicardi Goutieres syndrome (AGS). Also called: Encephalopathy, familial infantile, with calcification of basal ganglia and chronic cerebrospinal fluid lymphocytosis. Identifiers: Orphanet 51, MedGen C0393591, MONDO:0018866.
Aicardi-Goutieres syndrome 5. Identifiers: Orphanet 51, MedGen C2749659, MONDO:0013059, OMIM 612952.

Allele frequency attached by ClinVar (database versions not stated): gnomAD 0.00001; TOPMed 0.00004; ESP Exome Variant Server 0.00008.
gnomAD v4.1: 78 of 1,612,274 alleles (0.0048%); highest among the groups gnomAD compares: Non-Finnish European, 0.0063%; no homozygotes.

Submissions (2):

Labcorp Genetics (formerly Invitae), Labcorp
Classification: Uncertain significance for Aicardi-Goutieres syndrome 5. Last evaluated: 2022-08-09. Review status: criteria provided, single submitter. Criteria: Invitae Variant Classification Sherloc (09022015). Collection method: clinical testing. Allele origin: germline.
Comment: This sequence change replaces alanine, which is neutral and non-polar, with serine, which is neutral and polar, at codon 76 of the SAMHD1 protein (p.Ala76Ser). This variant is present in population databases (rs141599277, gnomAD 0.005%). This variant has not been reported in the literature in individuals affected with SAMHD1-related conditions. ClinVar contains an entry for this variant (Variation ID: 972110). Algorithms developed to predict the effect of missense changes on protein structure and function output the following: SIFT: "Tolerated"; PolyPhen-2: "Benign"; Align-GVGD: "Class C0". The serine amino acid residue is found in multiple mammalian species, which suggests that this missense change does not adversely affect protein function. In summary, the available evidence is currently insufficient to determine the role of this variant in disease. Therefore, it has been classified as a Variant of Uncertain Significance.

Natera, Inc.
Classification: Uncertain significance for Aicardi-Goutieres syndrome. Last evaluated: 2020-06-19. Review status: no assertion criteria provided. Collection method: clinical testing. Allele origin: germline. Not counted in ClinVar's aggregate classification.

NM_015474.4(SAMHD1):c.226G>T (p.Ala76Ser)

Gene: SAMHD1 (SAM and HD domain containing deoxynucleoside triphosphate triphosphohydrolase 1; minus strand). Cytogenetic location: 20q11.23.
Variant type: single nucleotide variant.
Coding change: c.226G>T on transcript NM_015474.4 (MANE Select); coding-DNA position 226, G replaced by T.
Protein change: p.Ala76Ser; replaces alanine 76 with serine.
Molecular consequence: missense variant.
Genome position (GRCh38, 1-based): chr20:36,946,787, C>A on the plus strand (G>T on the coding strand, the complement: SAMHD1 is on the minus strand). VCF-style: chr20-36946787-C-A. GRCh37 (hg19) VCF-style: chr20-35575190-C-A.
Other names: c.226G>T, p.Ala76Ser (NM_001363733.2, NM_001363729.2); short protein forms A76S.
Identifiers: ClinVar variation 972110 (VCV000972110.4), dbSNP rs141599277, ClinGen allele CA9844793.